The following is an entry in ClinVar:

ClinVar aggregate classification (germline): Uncertain significance (1 of 4 stars; one submission).

Conditions:
Menkes kinky-hair syndrome (MNK). Also called: Classic Menkes Disease; Copper transport disease; Menkes Disease. Identifiers: Orphanet 565, MedGen C0022716, MONDO:0010651, OMIM 309400.
X-linked distal spinal muscular atrophy type 3. Also called: ATP7A-Related Distal Motor Neuropathy; SPINAL MUSCULAR ATROPHY, DISTAL, X-LINKED RECESSIVE; NEURONOPATHY, DISTAL HEREDITARY MOTOR, X-LINKED; NEUROPATHY, DISTAL HEREDITARY MOTOR, X-LINKED. Identifiers: Orphanet 139557, MedGen C1845359, MONDO:0010338, OMIM 300489.
Cutis laxa, X-linked (OHS). Also called: EDS IX; Occipital horn syndrome. Identifiers: Orphanet 198, MedGen C0268353, MONDO:0010572, OMIM 304150.

Submission:

Labcorp Genetics (formerly Invitae), Labcorp
Classification: Uncertain significance for X-linked distal spinal muscular atrophy type 3; Cutis laxa, X-linked; Menkes kinky-hair syndrome. Last evaluated: 2023-04-23. Review status: criteria provided, single submitter. Criteria: Invitae Variant Classification Sherloc (09022015). Collection method: clinical testing. Allele origin: unknown.
Comment: In summary, the available evidence is currently insufficient to determine the role of this variant in disease. Therefore, it has been classified as a Variant of Uncertain Significance. Experimental studies and prediction algorithms are not available or were not evaluated, and the functional significance of this variant is currently unknown. This variant has not been reported in the literature in individuals affected with ATP7A-related conditions. This variant results in a copy number gain of the genomic region encompassing exon(s) 2-15 of the ATP7A gene. This region includes the initiator codon of the gene. This copy number gain extends beyond the assayed region for this gene and therefore may encompass additional genes. As the precise location of this event is unknown, it may be in tandem or it may be located elsewhere in the genome.

NC_000023.10:g.(?_77227139)_(77284961_?)dup

Gene: ATP7A (ATPase copper transporting alpha; plus strand). Cytogenetic location: Xq21.1.
Variant type: Duplication.
Identifiers: ClinVar variation 3244794 (VCV003244794.1).